The following is an entry in ClinVar:

NM_147127.5(EVC2):c.1099A>C (p.Ile367Leu)

Gene: EVC2 (EvC ciliary complex subunit 2; minus strand). Cytogenetic location: 4p16.2.
Variant type: single nucleotide variant.
Coding change: c.1099A>C on transcript NM_147127.5 (MANE Select); coding-DNA position 1099, A replaced by C.
Protein change: p.Ile367Leu; replaces isoleucine 367 with leucine.
Molecular consequence: missense variant.
Genome position (GRCh38, 1-based): chr4:5,663,153, T>G on the plus strand (A>C on the coding strand, the complement: EVC2 is on the minus strand). VCF-style: chr4-5663153-T-G. GRCh37 (hg19) VCF-style: chr4-5664880-T-G.
Other names: c.859A>C, p.Ile287Leu (NM_001166136.2); short protein forms I287L, I367L.
Identifiers: ClinVar variation 2654610 (VCV002654610.24), dbSNP rs745388254, ClinGen allele CA2835155.
Genomic context (GRCh38, chr4:5,663,153, plus strand): 5'-TTTAGAATTCTTACTCTTCTAAGGCTTGAAGCATGCTCCCAGGGTCCTCGGAAGACAGAA[T>G]GTCTATCATTTGGTCGTTAAGGGAAAGGTCCTCATTCACGCCATCAGCTGAGGTGAACGG-3'
Protein context (NP_667338.3, residues 357-377): DLSLNDQMID[Ile367Leu]LSSEDPGSML

ClinVar aggregate classification (germline): Uncertain significance (1 of 4 stars; one submission).

Allele frequency attached by ClinVar (database versions not stated): ExAC 0.00001.
gnomAD v4.1: 1 of 1,614,224 alleles (0.000062%); highest among the groups gnomAD compares: Non-Finnish European, 0.000085%; no homozygotes.

Submission:

CeGaT Center for Human Genetics Tuebingen
Classification: Uncertain significance. Last evaluated: 2022-08-01. Review status: criteria provided, single submitter. Criteria: CeGaT Center For Human Genetics Tuebingen Variant Classification Criteria Version 2. Collection method: clinical testing. Allele origin: germline. Affected: yes. Observed: 1 variant allele.
Comment: EVC2: PM2